The following is an entry in ClinVar:

ClinVar aggregate classification (germline): Uncertain significance (1 of 4 stars; one submission).

Submission:

Labcorp Genetics (formerly Invitae), Labcorp
Classification: Uncertain significance. Last evaluated: 2023-12-13. Review status: criteria provided, single submitter. Criteria: Invitae Variant Classification Sherloc (09022015). Collection method: clinical testing. Allele origin: germline.
Comment: This sequence change replaces methionine, which is neutral and non-polar, with threonine, which is neutral and polar, at codon 1383 of the RIMS1 protein (p.Met1383Thr). This variant is not present in population databases (gnomAD no frequency). This variant has not been reported in the literature in individuals affected with RIMS1-related conditions. An algorithm developed to predict the effect of missense changes on protein structure and function (PolyPhen-2) suggests that this variant is likely to be disruptive. In summary, the available evidence is currently insufficient to determine the role of this variant in disease. Therefore, it has been classified as a Variant of Uncertain Significance.

NM_014989.7(RIMS1):c.4148T>C (p.Met1383Thr)

Gene: RIMS1 (regulating synaptic membrane exocytosis 1; plus strand). Cytogenetic location: 6q13.
Variant type: single nucleotide variant.
Coding change: c.4148T>C on transcript NM_014989.7 (MANE Select); coding-DNA position 4148, T replaced by C.
Protein change: p.Met1383Thr; replaces methionine 1383 with threonine.
Molecular consequence: missense variant. On other transcripts: intron variant (31).
Genome position (GRCh38, 1-based): chr6:72,333,617, T>C. VCF-style: chr6-72333617-T-C. GRCh37 (hg19) VCF-style: chr6-73043320-T-C.
Other names: c.1886T>C, p.Met629Thr (NM_001350429.2); c.2204T>C, p.Met735Thr (NM_001350431.2); c.2195T>C, p.Met732Thr (NM_001350433.2); c.2057T>C, p.Met686Thr (NM_001350435.2); c.2300T>C, p.Met767Thr (NM_001350436.2); c.2051T>C, p.Met684Thr (NM_001350437.2); c.2039T>C, p.Met680Thr (NM_001350439.2); c.2036T>C, p.Met679Thr (NM_001350441.2); and 53 more; short protein forms M1383T, M572T, M614T, M650T, M652T, M706T, M732T, M735T.
Identifiers: ClinVar variation 2797354 (VCV002797354.3), dbSNP rs2552220960, ClinGen allele CA364692671.